The following is an entry in ClinVar:

NM_199420.4(POLQ):c.1118A>C (p.Lys373Thr)

Gene: POLQ (DNA polymerase theta; minus strand). Cytogenetic location: 3q13.33.
Variant type: single nucleotide variant.
Coding change: c.1118A>C on transcript NM_199420.4 (MANE Select); coding-DNA position 1118, A replaced by C.
Protein change: p.Lys373Thr; replaces lysine 373 with threonine.
Molecular consequence: missense variant.
Genome position (GRCh38, 1-based): chr3:121,522,140, T>G on the plus strand (A>C on the coding strand, the complement: POLQ is on the minus strand). VCF-style: chr3-121522140-T-G. GRCh37 (hg19) VCF-style: chr3-121240987-T-G.
Other names: short protein forms K373T.
Identifiers: ClinVar variation 2448987 (VCV002448987.2), dbSNP rs2546811786, ClinGen allele CA354122097.

ClinVar aggregate classification (germline): Uncertain significance (1 of 4 stars; one submission).

Submission:

Ambry Genetics
Classification: Uncertain significance. Last evaluated: 2023-01-22. Review status: criteria provided, single submitter. Criteria: Ambry Variant Classification Scheme 2023. Collection method: clinical testing. Allele origin: germline.
Comment: The p.K373T variant (also known as c.1118A>C), located in coding exon 8 of the POLQ gene, results from an A to C substitution at nucleotide position 1118. The lysine at codon 373 is replaced by threonine, an amino acid with similar properties. This amino acid position is conserved. In addition, this alteration is predicted to be tolerated by in silico analysis. Since supporting evidence is limited at this time, the clinical significance of this alteration remains unclear.